The following is an entry in ClinVar:

ClinVar aggregate classification (germline): Likely benign. Review status: criteria provided, multiple submitters, no conflicts (2 of 4 stars). 2 submissions from 2 submitters: Likely benign (2). Last evaluated 2024-09-09.

Conditions:
Familial cancer of breast. Also called: Hereditary breast cancer; BREAST CANCER, FAMILIAL; hereditary breast carcinoma. Identifiers: Orphanet 227535, MedGen C0346153, MONDO:0016419, OMIM 114480. Disease mechanism: loss of function.
Fanconi anemia complementation group J. Also called: BRIP1-Related Fanconi Anemia. Identifiers: Orphanet 84, MedGen C1836860, MONDO:0012187, OMIM 609054.

Submissions (2):

Myriad Genetics, Inc.
Classification: Likely benign for Familial cancer of breast. Last evaluated: 2024-09-09. Review status: criteria provided, single submitter. Criteria: Myriad Autosomal Dominant, Autosomal Recessive and X-Linked Classification Criteria (2023). Collection method: clinical testing. Allele origin: unknown.
Comment: This variant is considered likely benign. This variant is intronic and is not expected to impact mRNA splicing.

Labcorp Genetics (formerly Invitae), Labcorp
Classification: Likely benign for Familial cancer of breast; Fanconi anemia complementation group J. Last evaluated: 2023-10-31. Review status: criteria provided, single submitter. Criteria: Invitae Variant Classification Sherloc (09022015). Collection method: clinical testing. Allele origin: germline.

NM_032043.3(BRIP1):c.2906-13C>T

Gene: BRIP1 (BRCA1 interacting DNA helicase 1; minus strand). Cytogenetic location: 17q23.2.
Variant type: single nucleotide variant.
Coding change: c.2906-13C>T on transcript NM_032043.3 (MANE Select); 13 bases into the intron before coding-DNA position 2906, C replaced by T.
Molecular consequence: intron variant.
Genome position (GRCh38, 1-based): chr17:61,684,153, G>A on the plus strand (C>T on the coding strand, the complement: BRIP1 is on the minus strand). VCF-style: chr17-61684153-G-A. GRCh37 (hg19) VCF-style: chr17-59761514-G-A.
Identifiers: ClinVar variation 2165057 (VCV002165057.5), dbSNP rs2144094693, ClinGen allele CA2580094580.
Genomic context (GRCh38, chr17:61,684,153, plus strand): 5'-TCACAATTTTTTCTGCTTTCCCTGCTTCTTCCAGGAATACTGGATCATCTAAGAATACAA[G>A]AATTTAAGAGATTTAACTTTCTGCTCCTAGCTAACATAATTGCTAGGTTAAAATAATTAT-3'